The following is an entry in ClinVar:

ClinVar aggregate classification (germline): Benign (1 of 4 stars; one submission).

Allele frequency attached by ClinVar (database versions not stated): 1000 Genomes Project 0.05970; 1000 Genomes Project 30x 0.06027; TOPMed 0.08720; gnomAD 0.09052; ESP Exome Variant Server 0.09780; ExAC 0.10106.
gnomAD v4.1: 183,624 of 1,613,464 alleles (11%); highest among the groups gnomAD compares: Non-Finnish European, 13%; 11,449 homozygotes.

Submission:

Unidad de Genómica Garrahan, Hospital de Pediatría Garrahan
Classification: Benign. Last evaluated: 2024-01-24. Review status: criteria provided, single submitter. Criteria: ACMG Guidelines, 2015. Collection method: clinical testing. Allele origin: germline. Affected: no. Observed: 18 variant alleles.
Comment: This variant is classified as Benign based on local population frequency. This variant was detected in 20% of patients studied by a panel of primary immunodeficiencies. Number of patients: 18. Only high quality variants are reported.

NM_001040458.3(ERAP1):c.2542C>T (p.Leu848=)

Genes: ERAP1 (endoplasmic reticulum aminopeptidase 1; minus strand), LOC126807458 (CDK7 strongly-dependent group 2 enhancer GRCh37_chr5:96116076-96117275; plus strand). Cytogenetic location: 5q15.
Variant type: single nucleotide variant.
Coding change: c.2542C>T on transcript NM_001040458.3 (MANE Select); coding-DNA position 2542, C replaced by T.
Protein change: p.Leu848=; no amino-acid change (leucine 848 retained).
Molecular consequence: synonymous variant.
Genome position (GRCh38, 1-based): chr5:96,781,104, G>A on the plus strand (C>T on the coding strand, the complement: ERAP1 is on the minus strand). VCF-style: chr5-96781104-G-A. GRCh37 (hg19) VCF-style: chr5-96116808-G-A.
Other names: c.2542C>T, p.Leu848= (NM_001198541.3, NM_001349244.2, NM_016442.5).
Identifiers: ClinVar variation 2688519 (VCV002688519.2), dbSNP rs17481856, ClinGen allele CA3351905.